The following is an entry in ClinVar:

ClinVar aggregate classification (germline): Uncertain significance (1 of 4 stars; one submission).

Conditions:
Familial intrahepatic cholestasis. Identifiers: Orphanet 284385, MedGen CN296401, MONDO:0017290.

Submission:

Genomenon, Inc
Classification: Uncertain significance for Familial intrahepatic cholestasis. Last evaluated: 2026-04-14. Review status: criteria provided, single submitter. Criteria: Genomenon Sequence Variant Interpretation Standards - Updated. Collection method: curation. Allele origin: germline. Affected: yes.
Comment: ABCB4 p.Asp1199Asn (c.3595G>A) is a missense variant that changes the amino acid at residue 1199 from Aspartic acid to Asparagine. This variant has been observed in at least one proband with an ABCB4-related disorder (PMID:20422496). It is absent or not present at a significant frequency in gnomAD. In silico models predict that this variant is possibly or probably damaging. In conclusion, we classify ABCB4 p.Asp1199Asn (c.3595G>A) as a variant of uncertain significance.

Literature cited by the submitters: PubMed 20422496.

NM_000443.4(ABCB4):c.3595G>A (p.Asp1199Asn)

Gene: ABCB4 (ATP binding cassette subfamily B member 4; minus strand). Cytogenetic location: 7q21.12.
Variant type: single nucleotide variant.
Coding change: c.3595G>A on transcript NM_000443.4 (MANE Select); coding-DNA position 3595, G replaced by A.
Protein change: p.Asp1199Asn; replaces aspartic acid 1199 with asparagine.
Molecular consequence: missense variant.
Genome position (GRCh38, 1-based): chr7:87,403,173, C>T on the plus strand (G>A on the coding strand, the complement: ABCB4 is on the minus strand). VCF-style: chr7-87403173-C-T. GRCh37 (hg19) VCF-style: chr7-87032489-C-T.
Other names: c.3616G>A, p.Asp1206Asn (NM_018849.3); c.3454G>A, p.Asp1152Asn (NM_018850.3); short protein forms D1152N, D1199N, D1206N.
Identifiers: ClinVar variation 4846414 (VCV004846414.1).